The following is an entry in ClinVar:

NM_012233.3(RAB3GAP1):c.1403A>G (p.Asn468Ser)

Gene: RAB3GAP1 (RAB3 GTPase activating protein catalytic subunit 1; plus strand). Cytogenetic location: 2q21.3.
Variant type: single nucleotide variant.
Coding change: c.1403A>G on transcript NM_012233.3 (MANE Select); coding-DNA position 1403, A replaced by G.
Protein change: p.Asn468Ser; replaces asparagine 468 with serine.
Molecular consequence: missense variant.
Genome position (GRCh38, 1-based): chr2:135,133,937, A>G. VCF-style: chr2-135133937-A-G. GRCh37 (hg19) VCF-style: chr2-135891507-A-G.
Other names: c.1403A>G, p.Asn468Ser (NM_001172435.2); short protein forms N468S.
Identifiers: ClinVar variation 1326779 (VCV001326779.7), dbSNP rs578182809, ClinGen allele CA1884836.

ClinVar aggregate classification (germline): Uncertain significance. Review status: criteria provided, multiple submitters, no conflicts (2 of 4 stars). 3 submissions from 3 submitters: Uncertain significance (3). Last evaluated 2022-06-29.

Conditions:
Inborn genetic diseases. Identifiers: MedGen C0950123, MeSH D030342.

Allele frequency attached by ClinVar (database versions not stated): gnomAD 0.00003 and 0.00004; TOPMed 0.00008; 1000 Genomes Project 30x 0.00016; ExAC 0.00017; gnomAD exomes 0.00019; 1000 Genomes Project 0.00020.
gnomAD v4.1: 126 of 1,613,928 alleles (0.0078%); highest among the groups gnomAD compares: Admixed American, 0.07%; no homozygotes.

Submissions (3):

Labcorp Genetics (formerly Invitae), Labcorp
Classification: Uncertain significance. Last evaluated: 2022-06-29. Review status: criteria provided, single submitter. Criteria: Invitae Variant Classification Sherloc (09022015). Collection method: clinical testing. Allele origin: germline.
Comment: This sequence change replaces asparagine, which is neutral and polar, with serine, which is neutral and polar, at codon 468 of the RAB3GAP1 protein (p.Asn468Ser). This variant is present in population databases (rs578182809, gnomAD 0.1%). This variant has not been reported in the literature in individuals affected with RAB3GAP1-related conditions. ClinVar contains an entry for this variant (Variation ID: 1326779). Algorithms developed to predict the effect of missense changes on protein structure and function are either unavailable or do not agree on the potential impact of this missense change (SIFT: "Tolerated"; PolyPhen-2: "Probably Damaging"; Align-GVGD: "Class C0"). Algorithms developed to predict the effect of sequence changes on RNA splicing suggest that this variant may create or strengthen a splice site. In summary, the available evidence is currently insufficient to determine the role of this variant in disease. Therefore, it has been classified as a Variant of Uncertain Significance.

GeneDx
Classification: Uncertain significance. Last evaluated: 2021-11-22. Review status: criteria provided, single submitter. Criteria: GeneDx Variant Classification Process June 2021. Collection method: clinical testing. Allele origin: germline. Affected: yes.
Comment: In silico analysis supports that this missense variant does not alter protein structure/function; Has not been previously published as pathogenic or benign to our knowledge

Ambry Genetics
Classification: Uncertain significance for Inborn genetic diseases. Last evaluated: 2021-07-15. Review status: criteria provided, single submitter. Criteria: Ambry Variant Classification Scheme 2023. Collection method: clinical testing. Allele origin: germline.